The following is an entry in ClinVar:

ClinVar aggregate classification (germline): Uncertain significance. Review status: criteria provided, multiple submitters, no conflicts (2 of 4 stars). 3 submissions from 3 submitters: Uncertain significance (3). Last evaluated 2025-01-27.

Conditions:
Charcot-Marie-Tooth disease axonal type 2O. Also called: Charcot-Marie-Tooth disease, axonal, type 20; CHARCOT-MARIE-TOOTH NEUROPATHY, AXONAL, TYPE 2O; CHARCOT-MARIE-TOOTH DISEASE, AXONAL, AUTOSOMAL DOMINANT, TYPE 2O; Charcot-Marie-Tooth Neuropathy Type 2O. Identifiers: Orphanet 284232, MedGen C3280220, MONDO:0013644, OMIM 614228.
Inborn genetic diseases. Identifiers: MedGen C0950123, MeSH D030342.

Allele frequency attached by ClinVar (database versions not stated): gnomAD exomes below 0.00001; gnomAD 0.00001; TOPMed 0.00001.
gnomAD v4.1: 5 of 1,613,746 alleles (0.00031%); highest among the groups gnomAD compares: Non-Finnish European, 0.00042%; no homozygotes.

Submissions (3):

Labcorp Genetics (formerly Invitae), Labcorp
Classification: Uncertain significance for Charcot-Marie-Tooth disease axonal type 2O. Last evaluated: 2025-01-27. Review status: criteria provided, single submitter. Criteria: Invitae Variant Classification Sherloc (09022015). Collection method: clinical testing. Allele origin: germline.
Comment: This sequence change replaces arginine, which is basic and polar, with histidine, which is basic and polar, at codon 1191 of the DYNC1H1 protein (p.Arg1191His). This variant is not present in population databases (gnomAD no frequency). This variant has not been reported in the literature in individuals affected with DYNC1H1-related conditions. ClinVar contains an entry for this variant (Variation ID: 1701245). Invitae Evidence Modeling of protein sequence and biophysical properties (such as structural, functional, and spatial information, amino acid conservation, physicochemical variation, residue mobility, and thermodynamic stability) indicates that this missense variant is expected to disrupt DYNC1H1 protein function with a positive predictive value of 95%. In summary, the available evidence is currently insufficient to determine the role of this variant in disease. Therefore, it has been classified as a Variant of Uncertain Significance.

CeGaT Center for Human Genetics Tuebingen
Classification: Uncertain significance. Last evaluated: 2022-07-01. Review status: criteria provided, single submitter. Criteria: CeGaT Center For Human Genetics Tuebingen Variant Classification Criteria Version 2. Collection method: clinical testing. Allele origin: germline. Affected: yes. Observed: 1 variant allele.
Comment: DYNC1H1: PP2, PP3

Ambry Genetics
Classification: Uncertain significance for Inborn genetic diseases. Last evaluated: 2020-06-18. Review status: criteria provided, single submitter. Criteria: Ambry Variant Classification Scheme 2023. Collection method: clinical testing. Allele origin: germline.
Comment: The p.R1191H variant (also known as c.3572G>A), located in coding exon 16 of the DYNC1H1 gene, results from a G to A substitution at nucleotide position 3572. The arginine at codon 1191 is replaced by histidine, an amino acid with highly similar properties. This amino acid position is highly conserved in available vertebrate species. In addition, the in silico prediction for this alteration is inconclusive. Since supporting evidence is limited at this time, the clinical significance of this alteration remains unclear.

NM_001376.5(DYNC1H1):c.3572G>A (p.Arg1191His)

Gene: DYNC1H1 (dynein cytoplasmic 1 heavy chain 1; plus strand). Cytogenetic location: 14q32.31.
Variant type: single nucleotide variant.
Coding change: c.3572G>A on transcript NM_001376.5 (MANE Select); coding-DNA position 3572, G replaced by A.
Protein change: p.Arg1191His; replaces arginine 1191 with histidine.
Molecular consequence: missense variant.
Genome position (GRCh38, 1-based): chr14:101,997,042, G>A. VCF-style: chr14-101997042-G-A. GRCh37 (hg19) VCF-style: chr14-102463379-G-A.
Other names: short protein forms R1191H.
Identifiers: ClinVar variation 1701245 (VCV001701245.39), dbSNP rs1003718521, ClinGen allele CA266989071.